The following is an entry in ClinVar:

NM_000548.5(TSC2):c.5380_5382dup (p.Lys1794dup)

Gene: TSC2 (TSC complex subunit 2; plus strand). Cytogenetic location: 16p13.3.
Variant type: Duplication.
Coding change: c.5380_5382dup on transcript NM_000548.5 (MANE Select); coding-DNA positions 5380 to 5382, 3 bases duplicated (AAG; older notation c.5380_5382dupAAG).
Protein change: p.Lys1794dup; duplicates lysine 1794.
Molecular consequence: inframe insertion.
Genome position (GRCh38, 1-based): chr16:2,088,566-2,088,568, AAG duplicated; duplicating any 3 consecutive bases within chr16:2,088,565-2,088,568 gives the same sequence; the c. name uses the placement nearest the transcript's 3' end. VCF-style (leftmost placement, unchanged base first): chr16-2088564-G-GGAA. GRCh37 (hg19) VCF-style: chr16-2138565-G-GGAA.
Other names: c.5179_5181dup, p.Lys1727dup (NM_001077183.3); c.5311_5313dup, p.Lys1771dup (NM_001114382.3); c.5071_5073dup, p.Lys1691dup (NM_001318827.2); c.5035_5037dup, p.Lys1679dup (NM_001318829.2); c.4648_4650dup, p.Lys1550dup (NM_001318831.2); c.5212_5214dup, p.Lys1738dup (NM_001318832.2); c.5182_5184dup, p.Lys1728dup (NM_001363528.2); c.5248_5250dup, p.Lys1750dup (NM_001370404.1); and 2 more.
Identifiers: ClinVar variation 49942 (VCV000049942.19), dbSNP rs137854335, ClinGen allele CA022443.
Genomic context (GRCh38, chr16:2,088,564, plus strand): 5'-ATAGCAAAGCCCCTGCACAGACTCCAGCCGAGCCCACACCTGGCTATGAGGTGGGCCAGC[G>GGAA]GAAGCGCCTCATCTCCTCGGTGGAGGACTTCACCGAGTTTGTGTGAGGCCGGGGCCCTCC-3'

ClinVar aggregate classification (germline): Conflicting classifications of pathogenicity. Review status: criteria provided, conflicting classifications (1 of 4 stars). 6 submissions from 6 submitters: Uncertain significance (4); Likely benign (1). 1 of the submissions does not count toward it. Last evaluated 2025-12-22.

Conditions:
Hereditary cancer-predisposing syndrome. Also called: Hereditary Cancer Syndrome; Hereditary neoplastic syndrome; Neoplastic Syndromes, Hereditary; Tumor predisposition. Identifiers: Orphanet 140162, MedGen C0027672, MeSH D009386, MONDO:0015356.
Tuberous sclerosis syndrome (TSC). Also called: Tuberous Sclerosis Complex; Tuberous sclerosis. Identifiers: Orphanet 805, MedGen C0041341, MONDO:0001734.
Tuberous sclerosis 2 (TSC2). Identifiers: Orphanet 805, MedGen C1860707, MONDO:0013199, OMIM 613254.

Submissions (6):

Ambry Genetics
Classification: Uncertain significance for Hereditary cancer-predisposing syndrome. Last evaluated: 2025-12-22. Review status: criteria provided, single submitter. Criteria: Ambry Variant Classification Scheme 2023. Collection method: clinical testing. Allele origin: germline.
Comment: The c.5380_5382dupAAG variant (also known as p.K1794dup), located in coding exon 41 of the TSC2 gene, results from an in-frame duplication of AAG at nucleotide positions 5380 to 5382. This results in the duplication of a lysine residue between codons 1794 and 1795. This amino acid position is well conserved in available vertebrate species. In addition, the in silico prediction for this alteration is inconclusive (Choi Y et al. PLoS ONE. 2012; 7(10):e46688). Based on the available evidence, the clinical significance of this variant remains unclear.

Color Diagnostics, LLC DBA Color Health
Classification: Uncertain significance for Tuberous sclerosis syndrome. Last evaluated: 2025-08-28. Review status: criteria provided, single submitter. Criteria: ACMG Guidelines, 2015. Collection method: clinical testing. Allele origin: germline.
Comment: This variant causes an in-frame duplication of one amino acid of the TSC2 protein. To our knowledge, functional studies have not been reported for this variant. This variant has not been reported in individuals affected with TSC2-related disorders in the literature. This variant has not been identified in the general population by the Genome Aggregation Database (gnomAD). The available evidence is insufficient to determine the role of this variant in disease conclusively. Therefore, this variant is classified as a Variant of Uncertain Significance.

Labcorp Genetics (formerly Invitae), Labcorp
Classification: Likely benign for Tuberous sclerosis 2. Last evaluated: 2025-08-11. Review status: criteria provided, single submitter. Criteria: Invitae Variant Classification Sherloc (09022015). Collection method: clinical testing. Allele origin: germline.

All of Us Research Program, National Institutes of Health
Classification: Uncertain significance for Tuberous sclerosis syndrome. Last evaluated: 2023-10-06. Review status: criteria provided, single submitter. Criteria: ACMG Guidelines, 2015. Collection method: clinical testing. Allele origin: germline. Inheritance: Autosomal dominant inheritance. Observed: 2 variant alleles, 2 heterozygotes.
Comment: This variant causes an in-frame duplication of one amino acid of the TSC2 protein. To our knowledge, functional studies have not been reported for this variant. This variant has not been reported in individuals affected with TSC2-related disorders in the literature. This variant has not been identified in the general population by the Genome Aggregation Database (gnomAD). The available evidence is insufficient to determine the role of this variant in disease conclusively. Therefore, this variant is classified as a Variant of Uncertain Significance.

This study involves interpretation of variants in research participants for the purpose of population health screening. Participant phenotype was not available at the time of variant classification. Additional details can be found in publication PMID: 35346344, PMCID: PMC8962531

Genome-Nilou Lab
Classification: Uncertain significance for Tuberous sclerosis 2. Last evaluated: 2021-11-07. Review status: criteria provided, single submitter. Criteria: ACMG Guidelines, 2015. Collection method: clinical testing. Allele origin: germline. Affected: no.

Tuberous sclerosis database (TSC2)
No classification provided. Condition: TSC. Review status: no classification provided. Criteria: Tuberous Sclerosis Database Assertion Criteria 2015. Collection method: curation. Allele origin: germline. Affected: yes. Not counted in ClinVar's aggregate classification.